The following is an entry in ClinVar:

ClinVar aggregate classification (germline): Pathogenic (1 of 4 stars; one submission).

Allele frequency attached by ClinVar (database versions not stated): gnomAD exomes below 0.00001.

Submission:

Labcorp Genetics (formerly Invitae), Labcorp
Classification: Pathogenic. Last evaluated: 2023-09-09. Review status: criteria provided, single submitter. Criteria: Invitae Variant Classification Sherloc (09022015). Collection method: clinical testing. Allele origin: germline.
Comment: This variant is not present in population databases (gnomAD no frequency). For these reasons, this variant has been classified as Pathogenic. This variant disrupts a region of the COL4A4 protein in which other variant(s) (p.Cys1683Tyr) have been determined to be pathogenic (PMID: 26809805; Invitae). This suggests that this is a clinically significant region of the protein, and that variants that disrupt it are likely to be disease-causing. This variant has not been reported in the literature in individuals affected with COL4A4-related conditions. This sequence change creates a premature translational stop signal (p.Tyr1562Cysfs*71) in the COL4A4 gene. While this is not anticipated to result in nonsense mediated decay, it is expected to disrupt the last 129 amino acid(s) of the COL4A4 protein.

Literature cited by the submitters: PubMed 26809805.

NM_000092.5(COL4A4):c.4683_4684del (p.Tyr1562fs)

Gene: COL4A4 (collagen type IV alpha 4 chain; minus strand). Cytogenetic location: 2q36.3.
Variant type: Deletion.
Coding change: c.4683_4684del on transcript NM_000092.5 (MANE Select); coding-DNA positions 4683 to 4684, 2 bases deleted (CT; older notation c.4683_4684delCT).
Protein change: p.Tyr1562fs; shifts the reading frame from tyrosine 1562.
Molecular consequence: frameshift variant.
Genome position (GRCh38, 1-based): chr2:227,008,143-227,008,144, AG deleted on the plus strand (CT on the coding strand, the reverse complement: COL4A4 is on the minus strand). VCF-style (leftmost placement, unchanged base first): chr2-227008142-TAG-T. GRCh37 (hg19) VCF-style: chr2-227872858-TAG-T.
Other names: short protein forms Y1562fs.
Identifiers: ClinVar variation 2759381 (VCV002759381.3), dbSNP rs2472609270, ClinGen allele CA2663402638.
Genomic context (GRCh38, chr2:227,008,142, plus strand): 5'-TCCTGGCTGTGCACCGCCACCGCCTGGGCCGGGGCCTCGCATACCGCACAGCGGCTGACA[TAG>T]GGGCGGATCGCCTCTTCAGAGAGTGGCATCATGGGGAGGGGCGCAGCGCTGGCCAGCCAG-3'